The following is an entry in ClinVar:

NM_032119.4(ADGRV1):c.18125A>G (p.Gln6042Arg)

Gene: ADGRV1 (adhesion G protein-coupled receptor V1; plus strand). Cytogenetic location: 5q14.3.
Variant type: single nucleotide variant.
Coding change: c.18125A>G on transcript NM_032119.4 (MANE Select); coding-DNA position 18125, A replaced by G.
Protein change: p.Gln6042Arg; replaces glutamine 6042 with arginine.
Molecular consequence: missense variant. On other transcripts: non-coding transcript variant (1).
Genome position (GRCh38, 1-based): chr5:90,985,495, A>G. VCF-style: chr5-90985495-A-G. GRCh37 (hg19) VCF-style: chr5-90281312-A-G.
Other names: short protein forms Q6042R.
Identifiers: ClinVar variation 517262 (VCV000517262.9), dbSNP rs764963960, ClinGen allele CA3342559.

ClinVar aggregate classification (germline): Conflicting classifications of pathogenicity. Review status: criteria provided, conflicting classifications (1 of 4 stars). 4 submissions from 4 submitters: Uncertain significance (3); Likely benign (1). Last evaluated 2025-08-09.

Allele frequency attached by ClinVar (database versions not stated): gnomAD exomes 0.00001; TOPMed 0.00001; ExAC 0.00002.
gnomAD v4.1: 10 of 1,613,858 alleles (0.00062%); highest among the groups gnomAD compares: Middle Eastern, 0.016%; no homozygotes.

Submissions (4):

GeneDx
Classification: Uncertain significance. Last evaluated: 2025-08-09. Review status: criteria provided, single submitter. Criteria: GeneDx Variant Classification Process June 2021. Collection method: clinical testing. Allele origin: germline. Affected: yes.
Comment: Not observed at significant frequency in large population cohorts (gnomAD); In silico analysis suggests that this missense variant does not alter protein structure/function; Has not been previously published as pathogenic or benign to our knowledge

Labcorp Genetics (formerly Invitae), Labcorp
Classification: Likely benign. Last evaluated: 2024-01-29. Review status: criteria provided, single submitter. Criteria: Invitae Variant Classification Sherloc (09022015). Collection method: clinical testing. Allele origin: germline.

Blueprint Genetics
Classification: Uncertain significance. Last evaluated: 2022-08-04. Review status: criteria provided, single submitter. Criteria: ACMG Guidelines, 2015. Collection method: clinical testing. Allele origin: germline.

Laboratory for Molecular Medicine, Mass General Brigham Personalized Medicine
Classification: Uncertain significance. Last evaluated: 2017-02-02. Review status: criteria provided, single submitter. Criteria: LMM Criteria. Collection method: clinical testing. Allele origin: germline. Observed: 1 variant allele.
Comment: The p.Gln6042Arg variant in GPR98 has not been previously reported in individual s with hearing loss or Usher syndrome, but has been identified in 2/66584 Europe an chromosomes by the Exome Aggregation Consortium (ExAC; dbSNP rs764963960). Although this variant has been seen in the general population, its frequency is not high enough to rule out a pathogenic role. Com putational prediction tools and conservation analysis suggest that the p.Gln6042 Arg variant may not impact the protein, though this information is not predictiv e enough to rule out pathogenicity. In summary, the clinical significance of the p.Gln6042Arg variant is uncertain.